The following is an entry in ClinVar:

NM_006852.6(TLK2):c.267G>A (p.Glu89=)

Gene: TLK2 (tousled like kinase 2; plus strand). Cytogenetic location: 17q23.2.
Variant type: single nucleotide variant.
Coding change: c.267G>A on transcript NM_006852.6 (MANE Select); coding-DNA position 267, G replaced by A.
Protein change: p.Glu89=; no amino-acid change (glutamic acid 89 retained).
Molecular consequence: synonymous variant. On other transcripts: 5 prime UTR variant (2).
Genome position (GRCh38, 1-based): chr17:62,523,177, G>A. VCF-style: chr17-62523177-G-A. GRCh37 (hg19) VCF-style: chr17-60600538-G-A.
Other names: c.267G>A, p.Glu89= (NM_001284333.3, NM_001284363.1, NM_001375270.1 and 6 more transcripts); c.-85G>A (NM_001330418.3, NM_001375273.1); c.405G>A, p.Glu135= (NM_001375269.1).
Identifiers: ClinVar variation 4885999 (VCV004885999.2).

ClinVar aggregate classification (germline): Uncertain significance (1 of 4 stars; one submission).

Submission:

Dasa
Classification: Uncertain significance. Last evaluated: 2024-10-01. Review status: criteria provided, single submitter. Criteria: DASA Assertion Criteria. Collection method: clinical testing. Allele origin: germline.
Comment: NM_006852.6(TLK2):c.267G>A (p.Glu89=) is a synonymous variant predicted not to alter the encoded amino acid sequence. This variant is absent from population databases. Computational prediction algorithms are consistent with a deleterious effect. The currently available literature and clinical evidence are not sufficient to establish a definitive association between this variant and the reported condition. Therefore, this variant is classified as a variant of uncertain significance.